The following is an entry in ClinVar:

NM_052947.4(ALPK2):c.1557A>C (p.Arg519Ser)

Gene: ALPK2 (alpha kinase 2; minus strand). Cytogenetic location: 18q21.31.
Variant type: single nucleotide variant.
Coding change: c.1557A>C on transcript NM_052947.4 (MANE Select); coding-DNA position 1557, A replaced by C.
Protein change: p.Arg519Ser; replaces arginine 519 with serine.
Molecular consequence: missense variant.
Genome position (GRCh38, 1-based): chr18:58,579,219, T>G on the plus strand (A>C on the coding strand, the complement: ALPK2 is on the minus strand). VCF-style: chr18-58579219-T-G. GRCh37 (hg19) VCF-style: chr18-56246451-T-G.
Other names: short protein forms R519S.
Identifiers: ClinVar variation 2625973 (VCV002625973.2), dbSNP rs2518898855, ClinGen allele CA402562142.

ClinVar aggregate classification (germline): Uncertain significance (1 of 4 stars; one submission).

Submission:

Ambry Genetics
Classification: Uncertain significance. Last evaluated: 2023-06-21. Review status: criteria provided, single submitter. Criteria: Ambry Variant Classification Scheme 2023. Collection method: clinical testing. Allele origin: germline.
Comment: The p.R519S variant (also known as c.1557A>C), located in coding exon 3 of the ALPK2 gene, results from an A to C substitution at nucleotide position 1557. The arginine at codon 519 is replaced by serine, an amino acid with dissimilar properties. This amino acid position is conserved. In addition, this alteration is predicted to be tolerated by in silico analysis. Since supporting evidence is limited at this time, the clinical significance of this alteration remains unclear.